The following is an entry in ClinVar:

ClinVar aggregate classification (germline): Likely pathogenic (1 of 4 stars; one submission).

Conditions:
Ehlers-Danlos syndrome, type 4 (EDSVASC). Also called: Ehlers-Danlos Syndrome Type IV; Ehlers-Danlos syndrome vascular type; Ehlers Danlos syndrome, ecchymotic type; Ehlers Danlos syndrome, arterial type; Ehlers Danlos syndrome, Sack-Barabas type. Identifiers: Orphanet 286, MedGen C0268338, MONDO:0017314, OMIM 130050.

Submission:

Labcorp Genetics (formerly Invitae), Labcorp
Classification: Likely pathogenic for Ehlers-Danlos syndrome, type 4. Last evaluated: 2023-12-16. Review status: criteria provided, single submitter. Criteria: Invitae Variant Classification Sherloc (09022015). Collection method: clinical testing. Allele origin: germline.
Comment: This sequence change replaces glycine, which is neutral and non-polar, with alanine, which is neutral and non-polar, at codon 687 of the COL3A1 protein (p.Gly687Ala). This variant is not present in population databases (gnomAD no frequency). This missense change has been observed in individual(s) with vascular Ehlers-Danlos syndrome (Invitae). Advanced modeling of protein sequence and biophysical properties (such as structural, functional, and spatial information, amino acid conservation, physicochemical variation, residue mobility, and thermodynamic stability) performed at Invitae indicates that this missense variant is expected to disrupt COL3A1 protein function with a positive predictive value of 95%. This variant disrupts the triple helix domain of COL3A1. Glycine residues within the Gly-Xaa-Yaa repeats of the triple helix domain are required for the structure and stability of fibrillar collagens (PMID: 7695699, 8218237, 19344236). In COL3A1, variants that affect these glycine residues are significantly enriched in individuals with disease (PMID: 24922459, 25758994) compared to the general population (ExAC). This variant disrupts the p.Gly687 amino acid residue in COL3A1. Other variant(s) that disrupt this residue have been observed in individuals with COL3A1-related conditions (PMID: 31600821; Invitae), which suggests that this may be a clinically significant amino acid residue. In summary, the currently available evidence indicates that the variant is pathogenic, but additional data are needed to prove that conclusively. Therefore, this variant has been classified as Likely Pathogenic.

Literature cited by the submitters: PubMed 7695699; PubMed 8218237; PubMed 19344236; PubMed 24922459; PubMed 25758994; PubMed 31600821.

NM_000090.4(COL3A1):c.2060G>C (p.Gly687Ala)

Gene: COL3A1 (collagen type III alpha 1 chain; plus strand). Cytogenetic location: 2q32.2.
Variant type: single nucleotide variant.
Coding change: c.2060G>C on transcript NM_000090.4 (MANE Select); coding-DNA position 2060, G replaced by C.
Protein change: p.Gly687Ala; replaces glycine 687 with alanine.
Molecular consequence: missense variant.
Genome position (GRCh38, 1-based): chr2:188,999,322, G>C. VCF-style: chr2-188999322-G-C. GRCh37 (hg19) VCF-style: chr2-189864048-G-C.
Other names: short protein forms G687A.
Identifiers: ClinVar variation 2703534 (VCV002703534.3), dbSNP rs2469143353, ClinGen allele CA349840011.